The following is an entry in ClinVar:

NM_024753.5(TTC21B):c.2569-10T>C

Gene: TTC21B (tetratricopeptide repeat domain 21B; minus strand). Cytogenetic location: 2q24.3.
Variant type: single nucleotide variant.
Coding change: c.2569-10T>C on transcript NM_024753.5 (MANE Select); 10 bases into the intron before coding-DNA position 2569, T replaced by C.
Molecular consequence: intron variant.
Genome position (GRCh38, 1-based): chr2:165,901,920, A>G on the plus strand (T>C on the coding strand, the complement: TTC21B is on the minus strand). VCF-style: chr2-165901920-A-G. GRCh37 (hg19) VCF-style: chr2-166758430-A-G.
Identifiers: ClinVar variation 4996547 (VCV004996547.1).
Genomic context (GRCh38, chr2:165,901,920, plus strand): 5'-TGGCTGTTCCATCTGAACACGTTTTAGTACCCGAGCTTGTAATTCTCGAGCCTAGAAAAA[A>G]TCAGTATAAAAGGGAATAAAAAAAAAAAAGGAAATTAAATTCTCCGTAACTCACACACAG-3'

ClinVar aggregate classification (germline): Likely benign (1 of 4 stars; one submission).

Conditions:
TTC21B-related disorder. Also called: TTC21B-related disorders; TTC21B-related condition.

Submission:

PreventionGenetics, part of Exact Sciences
Classification: Likely benign for TTC21B-related condition. Last evaluated: 2026-02-20. Review status: criteria provided, single submitter. Criteria: ACMG Guidelines, 2015. Collection method: clinical testing. Allele origin: germline.
Comment: This variant is classified as likely benign based on ACMG/AMP sequence variant interpretation guidelines (Richards et al. 2015 PMID: 25741868, with internal and published modifications).